The following is an entry in ClinVar:

ClinVar aggregate classification (germline): Uncertain significance. Review status: criteria provided, multiple submitters, no conflicts (2 of 4 stars). 2 submissions from 2 submitters: Uncertain significance (2). Last evaluated 2025-12-11.

Allele frequency attached by ClinVar (database versions not stated): gnomAD exomes below 0.00001; ExAC 0.00001.
gnomAD v4.1: 4 of 1,614,194 alleles (0.00025%); highest among the groups gnomAD compares: Middle Eastern, 0.017%; no homozygotes.

Submissions (2):

Ambry Genetics
Classification: Uncertain significance. Last evaluated: 2025-12-11. Review status: criteria provided, single submitter. Criteria: Ambry Variant Classification Scheme 2023. Collection method: clinical testing. Allele origin: germline.

Labcorp Genetics (formerly Invitae), Labcorp
Classification: Uncertain significance. Last evaluated: 2022-06-07. Review status: criteria provided, single submitter. Criteria: Invitae Variant Classification Sherloc (09022015). Collection method: clinical testing. Allele origin: germline.
Comment: This variant is present in population databases (rs773974796, gnomAD 0.003%). In summary, the available evidence is currently insufficient to determine the role of this variant in disease. Therefore, it has been classified as a Variant of Uncertain Significance. Algorithms developed to predict the effect of missense changes on protein structure and function (SIFT, PolyPhen-2, Align-GVGD) all suggest that this variant is likely to be tolerated. This variant has not been reported in the literature in individuals affected with IL2RB-related conditions. This sequence change replaces alanine, which is neutral and non-polar, with valine, which is neutral and non-polar, at codon 347 of the IL2RB protein (p.Ala347Val).

NM_000878.5(IL2RB):c.1040C>T (p.Ala347Val)

Gene: IL2RB (interleukin 2 receptor subunit beta; minus strand). Cytogenetic location: 22q12.3.
Variant type: single nucleotide variant.
Coding change: c.1040C>T on transcript NM_000878.5 (MANE Select); coding-DNA position 1040, C replaced by T.
Protein change: p.Ala347Val; replaces alanine 347 with valine.
Molecular consequence: missense variant.
Genome position (GRCh38, 1-based): chr22:37,128,712, G>A on the plus strand (C>T on the coding strand, the complement: IL2RB is on the minus strand). VCF-style: chr22-37128712-G-A. GRCh37 (hg19) VCF-style: chr22-37524752-G-A.
Other names: c.1040C>T, p.Ala347Val (NM_001346222.1, NM_001346223.2); c.1040C>T (NM_000878.2); short protein forms A347V.
Identifiers: ClinVar variation 1969723 (VCV001969723.6), dbSNP rs773974796, ClinGen allele CA10216433.